The following is an entry in ClinVar:

ClinVar aggregate classification (germline): Uncertain significance (1 of 4 stars; one submission).

Conditions:
Intellectual developmental disorder, autosomal dominant 68 (MRD68). Also called: MENTAL RETARDATION, AUTOSOMAL DOMINANT 68. Identifiers: MedGen C5677008, MONDO:0030969, OMIM 619934.

Submission:

Institute of Human Genetics, University of Goettingen
Classification: Uncertain significance for Intellectual developmental disorder, autosomal dominant 68. Last evaluated: 2023-12-07. Review status: criteria provided, single submitter. Criteria: ACMG Guidelines, 2015. Collection method: clinical testing. Allele origin: unknown. Inheritance: Autosomal dominant inheritance. Observed: 1 heterozygote.
Comment: The variant c.7658+1G>T (p.?) in intron 34 of the KMT2B gene is not found in the gnomAD database it affects a highly conserved nucleotide and is located close to a donor splice site, which may result in a potential splicing alteration / defect. In silico programs predict a significant impact on KMT2B-RNA splicing (SpliceAI), which has not been validated by functional studies yet. ACMG criteria used for classification: PVS1_mod, PM2_supp.

NM_014727.3(KMT2B):c.7658+1G>T

Gene: KMT2B (lysine methyltransferase 2B; plus strand). Cytogenetic location: 19q13.12.
Variant type: single nucleotide variant.
Coding change: c.7658+1G>T on transcript NM_014727.3 (MANE Select); the canonical splice donor site of the intron after coding-DNA position 7658, G replaced by T.
Molecular consequence: splice donor variant.
Genome position (GRCh38, 1-based): chr19:35,737,744, G>T. VCF-style: chr19-35737744-G-T. GRCh37 (hg19) VCF-style: chr19-36228645-G-T.
Identifiers: ClinVar variation 2664431 (VCV002664431.2), dbSNP rs2513368475, ClinGen allele CA405438127.
Genomic context (GRCh38, chr19:35,737,744, plus strand): 5'-GCTCCCTGAGGGGGCCACCTGTGATGAGGAAGAGGATGAGGTGCAGCTCAGGTCAACCAG[G>T]TATGGAGTGTGAGCTGGGGGGCGGGTGGTGGTCTGGAAGGGTCTTAGAGAGTGAGCAGGG-3'